The following is an entry in ClinVar:

NM_198428.3(BBS9):c.2355G>A (p.Ser785=)

Gene: BBS9 (Bardet-Biedl syndrome 9; plus strand). Cytogenetic location: 7p14.3.
Variant type: single nucleotide variant.
Coding change: c.2355G>A on transcript NM_198428.3 (MANE Select); coding-DNA position 2355, G replaced by A.
Protein change: p.Ser785=; no amino-acid change (serine 785 retained).
Molecular consequence: synonymous variant. On other transcripts: non-coding transcript variant (3).
Genome position (GRCh38, 1-based): chr7:33,534,010, G>A. VCF-style: chr7-33534010-G-A. GRCh37 (hg19) VCF-style: chr7-33573622-G-A.
Other names: c.2250G>A, p.Ser750= (NM_001033604.2); c.2340G>A, p.Ser780= (NM_001033605.2); c.2355G>A, p.Ser785= (NM_001348036.1, NM_001348041.4, NM_001348043.3 and 1 more transcripts); c.1806G>A, p.Ser602= (NM_001348037.3); c.2082G>A, p.Ser694= (NM_001348038.3); c.1977G>A, p.Ser659= (NM_001348039.3); c.2235G>A, p.Ser745= (NM_001348040.3, NM_014451.4); c.2220G>A, p.Ser740= (NM_001348042.3); and 2 more.
Identifiers: ClinVar variation 1136367 (VCV001136367.10), dbSNP rs1403362656, ClinGen allele CA454459282.

ClinVar aggregate classification (germline): Likely benign. Review status: criteria provided, multiple submitters, no conflicts (2 of 4 stars). 2 submissions from 2 submitters: Likely benign (2). Last evaluated 2026-08-01.

Conditions:
Bardet-Biedl syndrome (BBS). Identifiers: Orphanet 110, MedGen C0752166, MONDO:0015229.

gnomAD v4.1: 15 of 1,614,058 alleles (0.00093%); highest among the groups gnomAD compares: African/African-American, 0.0067%; no homozygotes.

Submissions (2):

CeGaT Center for Human Genetics Tuebingen
Classification: Likely benign. Last evaluated: 2026-08-01. Review status: criteria provided, single submitter. Criteria: CeGaT Center For Human Genetics Tuebingen Variant Classification Criteria Version 2. Collection method: clinical testing. Allele origin: germline. Affected: yes. Observed: 1 variant allele.
Comment: BBS9: BP4, BP7

Labcorp Genetics (formerly Invitae), Labcorp
Classification: Likely benign for Bardet-Biedl syndrome. Last evaluated: 2026-01-25. Review status: criteria provided, single submitter. Criteria: Invitae Variant Classification Sherloc (09022015). Collection method: clinical testing. Allele origin: germline.